The following is an entry in ClinVar:

ClinVar aggregate classification (germline): Uncertain significance (1 of 4 stars; one submission).

Conditions:
Epidermolysis bullosa simplex 3, localized or generalized intermediate, with BP230 deficiency (EBS3). Also called: Epidermolysis bullosa simplex due to BP230 deficiency; Epidermolysis bullosa simplex, autosomal recessive 2. Identifiers: Orphanet 412181, MedGen C3809470, MONDO:0014180, OMIM 615425.
Hereditary sensory and autonomic neuropathy type 6. Also called: HSAN VI; Neuropathy, hereditary sensory and autonomic, type VI. Identifiers: Orphanet 314381, MedGen C3539003, MONDO:0013839, OMIM 614653.

Allele frequency attached by ClinVar (database versions not stated): ExAC 0.00001; TOPMed 0.00004.
gnomAD v4.1: 11 of 1,613,524 alleles (0.00068%); highest among the groups gnomAD compares: Non-Finnish European, 0.00093%; no homozygotes.

Submission:

Labcorp Genetics (formerly Invitae), Labcorp
Classification: Uncertain significance for Epidermolysis bullosa simplex 3, localized or generalized intermediate, with BP230 deficiency; Hereditary sensory and autonomic neuropathy type 6. Last evaluated: 2022-01-05. Review status: criteria provided, single submitter. Criteria: Invitae Variant Classification Sherloc (09022015). Collection method: clinical testing. Allele origin: germline.
Comment: In summary, the available evidence is currently insufficient to determine the role of this variant in disease. Therefore, it has been classified as a Variant of Uncertain Significance. Algorithms developed to predict the effect of sequence changes on RNA splicing suggest that this variant may create or strengthen a splice site. This variant has not been reported in the literature in individuals affected with DST-related conditions. This variant is present in population databases (rs759930255, gnomAD 0.002%). This sequence change affects codon 4442 of the DST mRNA. It is a 'silent' change, meaning that it does not change the encoded amino acid sequence of the DST protein. The DST gene has multiple clinically relevant transcripts. This variant occurs in alternate transcript NM_105548.4, and corresponds to NM_001723.5:c.*130193C>A in the primary transcript.

NM_001374736.1(DST):c.21195C>A (p.Ile7065=)

Gene: DST (dystonin; minus strand). Cytogenetic location: 6p12.1.
Variant type: single nucleotide variant.
Coding change: c.21195C>A on transcript NM_001374736.1 (MANE Select); coding-DNA position 21195, C replaced by A.
Protein change: p.Ile7065=; no amino-acid change (isoleucine 7065 retained).
Molecular consequence: synonymous variant.
Genome position (GRCh38, 1-based): chr6:56,485,324, G>T on the plus strand (C>A on the coding strand, the complement: DST is on the minus strand). VCF-style: chr6-56485324-G-T. GRCh37 (hg19) VCF-style: chr6-56350122-G-T.
Other names: c.14838C>A, p.Ile4946= (NM_001144769.5); c.14424C>A, p.Ile4808= (NM_001144770.2); c.21195C>A, p.Ile7065= (NM_001374722.1); c.20235C>A, p.Ile6745= (NM_001374729.1); c.13977C>A, p.Ile4659= (NM_001374730.1); c.21222C>A, p.Ile7074= (NM_001374734.1); c.14304C>A, p.Ile4768= (NM_001386100.1, NM_183380.4); c.13326C>A, p.Ile4442= (NM_015548.5).
Identifiers: ClinVar variation 1035465 (VCV001035465.7), dbSNP rs759930255, ClinGen allele CA3866574.